The following is an entry in ClinVar:

ClinVar aggregate classification (germline): Conflicting classifications of pathogenicity. Review status: criteria provided, conflicting classifications (1 of 4 stars). 3 submissions from 1 submitter: Uncertain significance (1); Benign (2). Last evaluated 2017-04-27.

Conditions:
Ehlers-Danlos syndrome, arthrochalasia type. Also called: ARTHROCHALASIS MULTIPLEX CONGENITA; EDS VII, MUTANT PROCOLLAGEN TYPE; EDS VIIA; Ehlers-Danlos syndrome, arthrochalasia type, 1; Ehlers-Danlos syndrome, arthrochalasis type. Identifiers: Orphanet 1899, Orphanet 99875, Orphanet 99876, MedGen C4551623, MONDO:0007525, OMIM 130060.
Infantile cortical hyperostosis. Also called: Caffey Disease; Hyperostosis, Cortical, Congenital; P1PK BLOOD GROUP SYSTEM, P(2) PHENOTYPE. Identifiers: Orphanet 1310, MedGen C0020497, MONDO:0007244, OMIM 114000.
Osteogenesis imperfecta (OI). Identifiers: Orphanet 666, MedGen C0029434, MeSH D010013, MONDO:0019019.

Allele frequency attached by ClinVar (database versions not stated): 1000 Genomes Project 0.00060; 1000 Genomes Project 30x 0.00078; gnomAD 0.00219 and 0.00229; TOPMed 0.00226.
gnomAD v4.1: 5,596 of 1,491,198 alleles (0.38%); highest among the groups gnomAD compares: Non-Finnish European, 0.46%; 18 homozygotes.

Submissions (3):

Illumina Laboratory Services, Illumina
Classification: Uncertain significance for Infantile cortical hyperostosis. Last evaluated: 2017-04-27. Review status: criteria provided, single submitter. Criteria: ICSL Variant Classification Criteria 13 December 2019. Collection method: clinical testing. Allele origin: germline.

Illumina Laboratory Services, Illumina
Classification: Benign for Ehlers-Danlos syndrome, arthrochalasia type. Last evaluated: 2017-04-27. Review status: criteria provided, single submitter. Criteria: ICSL Variant Classification Criteria 13 December 2019. Collection method: clinical testing. Allele origin: germline.
Comment: This variant was observed as part of a predisposition screen in an ostensibly healthy population. A literature search was performed for the gene, cDNA change, and amino acid change (where applicable). No publications were found based on this search. Allele frequency data from public databases was too high to be consistent with this variant causing disease. Therefore, this variant is classified as benign.

Illumina Laboratory Services, Illumina
Classification: Benign for Osteogenesis imperfecta. Last evaluated: 2017-04-27. Review status: criteria provided, single submitter. Criteria: ICSL Variant Classification Criteria 13 December 2019. Collection method: clinical testing. Allele origin: germline.
Comment: the same text as in the submission from Illumina Laboratory Services, Illumina above.

NM_000088.4(COL1A1):c.-57G>A

Gene: COL1A1 (collagen type I alpha 1 chain; minus strand). Cytogenetic location: 17q21.33.
Variant type: single nucleotide variant.
Coding change: c.-57G>A on transcript NM_000088.4 (MANE Select); 57 bases upstream of the start codon, G replaced by A.
Molecular consequence: 5 prime UTR variant.
Genome position (GRCh38, 1-based): chr17:50,201,570, C>T on the plus strand (G>A on the coding strand, the complement: COL1A1 is on the minus strand). VCF-style: chr17-50201570-C-T. GRCh37 (hg19) VCF-style: chr17-48278931-C-T.
Identifiers: ClinVar variation 890451 (VCV000890451.4), dbSNP rs2734278, ClinGen allele CA291552574.
Genomic context (GRCh38, chr17:50,201,570, plus strand): 5'-ACATGTCTAGACCCTAGACATGTAGACTCTTTGTGGCTGGGGAGGGGGTTAGCGTCCGCT[C>T]ATGCGTGGCCTCACACTCCGCGTGCCTCCTGCTCCGACCCCGAGGAGAAACTCCCGTCTG-3'